The following is an entry in ClinVar:

ClinVar aggregate classification (germline): Uncertain significance (1 of 4 stars; one submission).

Submission:

GeneDx
Classification: Uncertain significance. Last evaluated: 2022-01-25. Review status: criteria provided, single submitter. Criteria: GeneDx Variant Classification Process June 2021. Collection method: clinical testing. Allele origin: germline. Affected: yes.
Comment: Not observed at significant frequency in large population cohorts (gnomAD); In silico analysis supports that this missense variant does not alter protein structure/function; In silico analysis suggests this variant may impact gene splicing. In the absence of RNA/functional studies, the actual effect of this sequence change is unknown.; Has not been previously published as pathogenic or benign to our knowledge

NM_001099922.3(ALG13):c.2142G>T (p.Gln714His)

Gene: ALG13 (ALG13 UDP-N-acetylglucosaminyltransferase subunit; plus strand). Cytogenetic location: Xq23.
Variant type: single nucleotide variant.
Coding change: c.2142G>T on transcript NM_001099922.3 (MANE Select); coding-DNA position 2142, G replaced by T.
Protein change: p.Gln714His; replaces glutamine 714 with histidine.
Molecular consequence: missense variant. On other transcripts: non-coding transcript variant (1).
Genome position (GRCh38, 1-based): chrX:111,727,665, G>T. VCF-style: chrX-111727665-G-T. GRCh37 (hg19) VCF-style: chrX-110970893-G-T.
Other names: c.1830G>T, p.Gln610His (NM_001257230.2, NM_001257234.2, NM_001257237.2); c.1908G>T, p.Gln636His (NM_001257231.2); c.2142G>T, p.Gln714His (NM_001324292.2); c.1656G>T, p.Gln552His (NM_001324293.1); short protein forms Q552H, Q610H, Q636H, Q714H.
Identifiers: ClinVar variation 1699761 (VCV001699761.2), dbSNP rs1602749741, ClinGen allele CA414253368.